The following is an entry in ClinVar:

NM_001005388.3(NFASC):c.3405C>T (p.Arg1135=)

Gene: NFASC (neurofascin; plus strand). Cytogenetic location: 1q32.1.
Variant type: single nucleotide variant.
Coding change: c.3405C>T on transcript NM_001005388.3 (MANE Select); coding-DNA position 3405, C replaced by T.
Protein change: p.Arg1135=; no amino-acid change (arginine 1135 retained).
Molecular consequence: synonymous variant.
Genome position (GRCh38, 1-based): chr1:205,009,672, C>T. VCF-style: chr1-205009672-C-T. GRCh37 (hg19) VCF-style: chr1-204978800-C-T.
Other names: c.3252C>T, p.Arg1084= (NM_001160331.2); c.3207C>T, p.Arg1069= (NM_001160332.2); c.2871C>T, p.Arg957= (NM_001365986.1); c.3726C>T, p.Arg1242= (NM_001378329.1); c.3192C>T, p.Arg1064= (NM_015090.4); c.3405C>T (NM_001005388.2).
Identifiers: ClinVar variation 3025259 (VCV003025259.24), dbSNP rs147568795, ClinGen allele CA1350779.

ClinVar aggregate classification (germline): Likely benign. Review status: criteria provided, multiple submitters, no conflicts (2 of 4 stars). 3 submissions from 3 submitters: Likely benign (2). 1 of the submissions does not count toward it. Last evaluated 2024-11-11.

Conditions:
NFASC-related disorder. Also called: NFASC-related condition.

Allele frequency attached by ClinVar (database versions not stated): ESP Exome Variant Server 0.00008; 1000 Genomes Project 30x 0.00016; TOPMed 0.00016; 1000 Genomes Project 0.00020; ExAC 0.00025.
gnomAD v4.1: 243 of 1,613,994 alleles (0.015%); highest among the groups gnomAD compares: Middle Eastern, 0.016%; no homozygotes.

Submissions (3):

Blueprint Genetics
Classification: Likely benign. Last evaluated: 2024-11-11. Review status: criteria provided, single submitter. Criteria: ACMG Guidelines, 2015. Collection method: clinical testing. Allele origin: germline.

CeGaT Center for Human Genetics Tuebingen
Classification: Likely benign. Last evaluated: 2024-01-01. Review status: criteria provided, single submitter. Criteria: CeGaT Center For Human Genetics Tuebingen Variant Classification Criteria Version 2. Collection method: clinical testing. Allele origin: germline. Affected: yes. Observed: 1 variant allele.
Comment: NFASC: BP4, BP7

PreventionGenetics, part of Exact Sciences
Classification: Likely benign for NFASC-related condition. Last evaluated: 2020-01-08. Review status: no assertion criteria provided. Collection method: clinical testing. Allele origin: germline. Not counted in ClinVar's aggregate classification.
Comment: This variant is classified as likely benign based on ACMG/AMP sequence variant interpretation guidelines (Richards et al. 2015 PMID: 25741868, with internal and published modifications).